The following is an entry in ClinVar:

NM_001966.4(EHHADH):c.2153C>T (p.Ser718Phe)

Gene: EHHADH (enoyl-CoA hydratase and 3-hydroxyacyl CoA dehydrogenase; minus strand). Cytogenetic location: 3q27.2.
Variant type: single nucleotide variant.
Coding change: c.2153C>T on transcript NM_001966.4 (MANE Select); coding-DNA position 2153, C replaced by T.
Protein change: p.Ser718Phe; replaces serine 718 with phenylalanine.
Molecular consequence: missense variant.
Genome position (GRCh38, 1-based): chr3:185,192,245, G>A on the plus strand (C>T on the coding strand, the complement: EHHADH is on the minus strand). VCF-style: chr3-185192245-G-A. GRCh37 (hg19) VCF-style: chr3-184910033-G-A.
Other names: c.1865C>T, p.Ser622Phe (NM_001166415.2); short protein forms S622F, S718F.
Identifiers: ClinVar variation 2315933 (VCV002315933.3), dbSNP rs140662313, ClinGen allele CA2738838.
Genomic context (GRCh38, chr3:185,192,245, plus strand): 5'-TACCTGATGCTAGCATGTGAGGCATAATCTGGAAGACTGAATCACAATTTACTGCTAGGG[G>A]AGCCTGCCAAGCTTTGCCATTCTTTCAGGGGAGGGTTTCCCTGAGAAGCCAGTTTTTTTA-3'
Protein context (NP_001957.2, residues 708-723): PLKEWQSLAG[Ser718Phe]PSSKL

ClinVar aggregate classification (germline): Uncertain significance. Review status: criteria provided, multiple submitters, no conflicts (2 of 4 stars). 2 submissions from 2 submitters: Uncertain significance (2). Last evaluated 2025-10-28.

Conditions:
EHHADH-related disorder. Also called: EHHADH-related condition.

Allele frequency attached by ClinVar (database versions not stated): ExAC 0.00002; gnomAD 0.00007; TOPMed 0.00007; 1000 Genomes Project 30x 0.00016; 1000 Genomes Project 0.00020.
gnomAD v4.1: 17 of 1,613,578 alleles (0.0011%); highest among the groups gnomAD compares: African/African-American, 0.021%; no homozygotes.

Submissions (2):

PreventionGenetics, part of Exact Sciences
Classification: Uncertain significance for EHHADH-related condition. Last evaluated: 2025-10-28. Review status: criteria provided, single submitter. Criteria: ACMG Guidelines, 2015. Collection method: clinical testing. Allele origin: germline.
Comment: The EHHADH c.2153C>T variant is predicted to result in the amino acid substitution p.Ser718Phe. To our knowledge, this variant has not been reported in the literature. This variant is reported in 0.036% of alleles in individuals of African descent in gnomAD, which may be too common to be causative. Although we suspect that this variant may be benign, at this time, the clinical significance of this variant is uncertain due to the absence of conclusive functional and genetic evidence.

Ambry Genetics
Classification: Uncertain significance. Last evaluated: 2022-10-03. Review status: criteria provided, single submitter. Criteria: Ambry Variant Classification Scheme 2023. Collection method: clinical testing. Allele origin: germline.